The following is an entry in ClinVar:

ClinVar aggregate classification (germline): Conflicting classifications of pathogenicity. Review status: criteria provided, conflicting classifications (1 of 4 stars). 3 submissions from 3 submitters: Uncertain significance (2); Likely benign (1). Last evaluated 2025-09-30.

Conditions:
Hereditary cancer-predisposing syndrome. Also called: Neoplastic Syndromes, Hereditary; Tumor predisposition; Hereditary Cancer Syndrome; Hereditary neoplastic syndrome. Identifiers: Orphanet 140162, MedGen C0027672, MeSH D009386, MONDO:0015356.
BAP1-related tumor predisposition syndrome (TPDS1). Also called: Tumor susceptibility linked to germline BAP1 mutations; COMMON Syndrome; TUMOR PREDISPOSITION SYNDROME 1; BAP1 tumor predisposition syndrome. Identifiers: Orphanet 289539, MedGen C3280492, MONDO:0013692, OMIM 614327.

Allele frequency attached by ClinVar (database versions not stated): gnomAD exomes below 0.00001; TOPMed below 0.00001.
gnomAD v4.1: 1 of 1,614,214 alleles (0.000062%); no homozygotes.

Submissions (3):

Labcorp Genetics (formerly Invitae), Labcorp
Classification: Uncertain significance for BAP1-related tumor predisposition syndrome. Last evaluated: 2025-09-30. Review status: criteria provided, single submitter. Criteria: Invitae Variant Classification Sherloc (09022015). Collection method: clinical testing. Allele origin: germline.
Comment: This sequence change replaces lysine, which is basic and polar, with arginine, which is basic and polar, at codon 651 of the BAP1 protein (p.Lys651Arg). This variant is not present in population databases (gnomAD no frequency). This variant has not been reported in the literature in individuals affected with BAP1-related conditions. ClinVar contains an entry for this variant (Variation ID: 652402). Invitae Evidence Modeling of protein sequence and biophysical properties (such as structural, functional, and spatial information, amino acid conservation, physicochemical variation, residue mobility, and thermodynamic stability) indicates that this missense variant is not expected to disrupt BAP1 protein function with a negative predictive value of 80%. In summary, the available evidence is currently insufficient to determine the role of this variant in disease. Therefore, it has been classified as a Variant of Uncertain Significance.

Ambry Genetics
Classification: Likely benign for Hereditary cancer-predisposing syndrome. Last evaluated: 2023-12-21. Review status: criteria provided, single submitter. Criteria: Ambry Variant Classification Scheme 2023. Collection method: clinical testing. Allele origin: germline.

Color Diagnostics, LLC DBA Color Health
Classification: Uncertain significance for Hereditary cancer-predisposing syndrome. Last evaluated: 2019-02-21. Review status: criteria provided, single submitter. Criteria: ACMG Guidelines, 2015. Collection method: clinical testing. Allele origin: germline.

NM_004656.4(BAP1):c.1952A>G (p.Lys651Arg)

Gene: BAP1 (BRCA1 associated deubiquitinase 1; minus strand). Cytogenetic location: 3p21.1.
Variant type: single nucleotide variant.
Coding change: c.1952A>G on transcript NM_004656.4 (MANE Select); coding-DNA position 1952, A replaced by G.
Protein change: p.Lys651Arg; replaces lysine 651 with arginine.
Molecular consequence: missense variant.
Genome position (GRCh38, 1-based): chr3:52,402,810, T>C on the plus strand (A>G on the coding strand, the complement: BAP1 is on the minus strand). VCF-style: chr3-52402810-T-C. GRCh37 (hg19) VCF-style: chr3-52436826-T-C.
Other names: short protein forms K651R.
Identifiers: ClinVar variation 652402 (VCV000652402.12), dbSNP rs1578219024, ClinGen allele CA353096615.
Genomic context (GRCh38, chr3:52,402,810, plus strand): 5'-CAGATCAGGCAACTGGAGAAATCACCCACCTTGAACTTCTTCCTCTTCTCTACCTCCTCC[T>C]TGAGGCACGCCTCATAGTTTGCAATCTCAGCCTCCACACACTTCAGCAGTGCCAGCAGCT-3'
Protein context (NP_004647.1, residues 641-661): AEIANYEACL[Lys651Arg]EEVEKRKKFK